The following is an entry in ClinVar:

NM_002693.3(POLG):c.2273A>G (p.Asn758Ser)

Gene: POLG (DNA polymerase gamma, catalytic subunit; minus strand). Cytogenetic location: 15q26.1.
Variant type: single nucleotide variant.
Coding change: c.2273A>G on transcript NM_002693.3 (MANE Select); coding-DNA position 2273, A replaced by G.
Protein change: p.Asn758Ser; replaces asparagine 758 with serine.
Molecular consequence: missense variant.
Genome position (GRCh38, 1-based): chr15:89,322,895, T>C on the plus strand (A>G on the coding strand, the complement: POLG is on the minus strand). VCF-style: chr15-89322895-T-C. GRCh37 (hg19) VCF-style: chr15-89866126-T-C.
Other names: c.2273A>G (NM_002693.2); c.2273A>G, p.Asn758Ser (NM_001126131.2); short protein forms N758S.
Identifiers: ClinVar variation 1468073 (VCV001468073.9), dbSNP rs2152062441, ClinGen allele CA393756592.

ClinVar aggregate classification (germline): Uncertain significance. Review status: criteria provided, multiple submitters, no conflicts (2 of 4 stars). 2 submissions from 2 submitters: Uncertain significance (2). Last evaluated 2024-11-14.

Conditions:
Progressive sclerosing poliodystrophy (MTDPS4A). Also called: Mitochondrial DNA depletion syndrome 4A (Alpers type); ALPERS PROGRESSIVE INFANTILE POLIODYSTROPHY; NEURONAL DEGENERATION OF CHILDHOOD WITH LIVER DISEASE, PROGRESSIVE; Mitochondrial DNA Depletion Syndrome 4A; Alpers-Huttenlocher Syndrome (AHS); Alpers Syndrome. Identifiers: Orphanet 726, MedGen C0205710, MONDO:0008758, OMIM 203700.

Submissions (2):

GeneDx
Classification: Uncertain significance. Last evaluated: 2024-11-14. Review status: criteria provided, single submitter. Criteria: GeneDx Variant Classification Process June 2021. Collection method: clinical testing. Allele origin: germline. Affected: yes.
Comment: Not observed at significant frequency in large population cohorts (gnomAD); In silico analysis indicates that this missense variant does not alter protein structure/function; Has not been previously published as pathogenic or benign to our knowledge

Labcorp Genetics (formerly Invitae), Labcorp
Classification: Uncertain significance for Progressive sclerosing poliodystrophy. Last evaluated: 2022-01-15. Review status: criteria provided, single submitter. Criteria: Invitae Variant Classification Sherloc (09022015). Collection method: clinical testing. Allele origin: germline.
Comment: In summary, the available evidence is currently insufficient to determine the role of this variant in disease. Therefore, it has been classified as a Variant of Uncertain Significance. Algorithms developed to predict the effect of missense changes on protein structure and function output the following: SIFT: "Tolerated"; PolyPhen-2: "Benign"; Align-GVGD: "Class C0". The serine amino acid residue is found in multiple mammalian species, which suggests that this missense change does not adversely affect protein function. This variant has not been reported in the literature in individuals affected with POLG-related conditions. This variant is not present in population databases (gnomAD no frequency). This sequence change replaces asparagine, which is neutral and polar, with serine, which is neutral and polar, at codon 758 of the POLG protein (p.Asn758Ser).